The following is an entry in ClinVar:

NM_016653.3(MAP3K20):c.1924G>A (p.Gly642Arg)

Genes: MAP3K20 (mitogen-activated protein kinase kinase kinase 20; plus strand), MAP3K20-AS1 (MAP3K20 antisense RNA 1; minus strand). Cytogenetic location: 2q31.1.
Variant type: single nucleotide variant.
Coding change: c.1924G>A on transcript NM_016653.3 (MANE Select); coding-DNA position 1924, G replaced by A.
Protein change: p.Gly642Arg; replaces glycine 642 with arginine.
Molecular consequence: missense variant.
Genome position (GRCh38, 1-based): chr2:173,266,271, G>A. VCF-style: chr2-173266271-G-A. GRCh37 (hg19) VCF-style: chr2-174130999-G-A.
Other names: short protein forms G642R.
Identifiers: ClinVar variation 2017354 (VCV002017354.4), dbSNP rs771517495, ClinGen allele CA1970995.

ClinVar aggregate classification (germline): Uncertain significance (1 of 4 stars; one submission).

Allele frequency attached by ClinVar (database versions not stated): ExAC 0.00001; gnomAD exomes 0.00001.

Submission:

Labcorp Genetics (formerly Invitae), Labcorp
Classification: Uncertain significance. Last evaluated: 2022-08-06. Review status: criteria provided, single submitter. Criteria: Invitae Variant Classification Sherloc (09022015). Collection method: clinical testing. Allele origin: germline.
Comment: Experimental studies and prediction algorithms are not available or were not evaluated, and the functional significance of this variant is currently unknown. In summary, the available evidence is currently insufficient to determine the role of this variant in disease. Therefore, it has been classified as a Variant of Uncertain Significance. This variant has not been reported in the literature in individuals affected with MAP3K20-related conditions. This variant is present in population databases (rs771517495, gnomAD 0.009%). This sequence change replaces glycine, which is neutral and non-polar, with arginine, which is basic and polar, at codon 642 of the MAP3K20 protein (p.Gly642Arg).